The following is an entry in ClinVar:

NM_002067.5(GNA11):c.626A>T (p.Gln209Leu)

Gene: GNA11 (G protein subunit alpha 11; plus strand). Cytogenetic location: 19p13.3.
Variant type: single nucleotide variant.
Coding change: c.626A>T on transcript NM_002067.5 (MANE Select); coding-DNA position 626, A replaced by T.
Protein change: p.Gln209Leu; replaces glutamine 209 with leucine.
Molecular consequence: missense variant.
Genome position (GRCh38, 1-based): chr19:3,118,944, A>T. VCF-style: chr19-3118944-A-T. GRCh37 (hg19) VCF-style: chr19-3118942-A-T.
Other names: short protein forms Q209L.
Identifiers: ClinVar variation 376002 (VCV000376002.8), dbSNP rs1057519742, ClinGen allele CA16602475.

ClinVar aggregate classification (germline): Pathogenic/Likely pathogenic. Review status: criteria provided, multiple submitters, no conflicts (2 of 4 stars). 2 submissions from 2 submitters: Pathogenic (1); Likely pathogenic (1). Last evaluated 2021-12-05.
ClinVar aggregate classification (oncogenicity): Oncogenic (1 of 4 stars; one submission).

Conditions:
Neoplasm. Also called: tumor; Neoplasms; Neoplasm (disease). Identifiers: MedGen C0027651, MeSH D009369, MONDO:0005070, HP:0002664.

Submissions (3):

Center for Genomic Medicine, Rigshospitalet, Copenhagen University Hospital
Classification: Oncogenic for Neoplasm. Last evaluated: 2026-10-16. Review status: criteria provided, single submitter. Criteria: ClinGen/CGC/VICC Guidelines for Oncogenicity, 2022. Collection method: clinical testing. Allele origin: somatic. Affected: yes.

Centre of Medical Genetics, University Hospital Muenster
Classification: Likely pathogenic. Last evaluated: 2021-12-05. Review status: criteria provided, single submitter. Criteria: ACMG Guidelines, 2015. Collection method: clinical testing. Allele origin: unknown. Affected: yes. Observed: 1 variant allele, 1 heterozygote.
Comment: ACMG categories: PM2,PP2,PP3,PP4,PP5,BP1

Seattle Children's Hospital Molecular Genetics Laboratory, Seattle Children's Hospital
Classification: Pathogenic. Last evaluated: 2020-09-03. Review status: criteria provided, single submitter. Criteria: ACMG Guidelines, 2015. Collection method: clinical testing. Allele origin: somatic. Affected: yes.
Comment: The same somatic GNA11 missense mutation is reported in several affected individuals with congenital hemangiomas, including one individual (participant 16) with a hepatic congentital hemangioma (PMID: 27058448). Postnatally, the tumors were described as either rapidly involuting congenital hemangioma (RICH) or non-involuting congenital hemangioma (NICH) (PMID: 27058448).

Literature cited by the submitters: PubMed 26778290 (cited by Center for Genomic Medicine, Rigshospitalet, Copenhagen University Hospital); PubMed 21083380 (cited by Center for Genomic Medicine, Rigshospitalet, Copenhagen University Hospital); PubMed 24141786 (cited by Center for Genomic Medicine, Rigshospitalet, Copenhagen University Hospital); PubMed 23640210 (cited by Center for Genomic Medicine, Rigshospitalet, Copenhagen University Hospital).